The following is an entry in ClinVar:

ClinVar aggregate classification (germline): Benign/Likely benign. Review status: criteria provided, multiple submitters, no conflicts (2 of 4 stars). 3 submissions from 3 submitters: Benign (1); Likely benign (2). Last evaluated 2018-06-23.

Conditions:
Multiple endocrine neoplasia type 4. Also called: MULTIPLE ENDOCRINE NEOPLASIA, TYPE IV. Identifiers: Orphanet 276152, MedGen C1970712, MONDO:0012552, OMIM 610755.

Allele frequency attached by ClinVar (database versions not stated): gnomAD exomes 0.00148 and 0.00277; ExAC 0.00375; ESP Exome Variant Server 0.00907; gnomAD 0.01183 and 0.01260; TOPMed 0.01260; 1000 Genomes Project 30x 0.01452; 1000 Genomes Project 0.01558.
gnomAD v4.1: 2,746 of 761,236 alleles (0.36%); highest among the groups gnomAD compares: African/African-American, 3.9%; 51 homozygotes.

Submissions (3):

GeneDx
Classification: Likely benign. Last evaluated: 2018-06-23. Review status: criteria provided, single submitter. Criteria: GeneDx Variant Classification Process June 2021. Collection method: clinical testing. Allele origin: germline. Affected: yes.

Illumina Laboratory Services, Illumina
Classification: Benign for Multiple endocrine neoplasia type 4. Last evaluated: 2018-01-13. Review status: criteria provided, single submitter. Criteria: ICSL Variant Classification Criteria 13 December 2019. Collection method: clinical testing. Allele origin: germline.
Comment: This variant was observed in the ICSL laboratory as part of a predisposition screen in an ostensibly healthy population. It had not been previously curated by ICSL or reported in the Human Gene Mutation Database (HGMD: prior to June 1st, 2018), and was therefore a candidate for classification through an automated scoring system. Utilizing variant allele frequency, disease prevalence and penetrance estimates, and inheritance mode, an automated score was calculated to assess if this variant is too frequent to cause the disease. Based on the score and internal cut-off values, a variant classified as benign is not then subjected to further curation. The score for this variant resulted in a classification of benign for this disease.

Breakthrough Genomics
Classification: Likely benign. Review status: criteria provided, single submitter. Criteria: ACMG Guidelines, 2015. Collection method: not provided. Allele origin: germline. Inheritance: Autosomal dominant inheritance. Affected: yes.

NM_004064.5(CDKN1B):c.*181T>C

Gene: CDKN1B (cyclin dependent kinase inhibitor 1B; plus strand). Cytogenetic location: 12p13.1.
Variant type: single nucleotide variant.
Coding change: c.*181T>C on transcript NM_004064.5 (MANE Select); 181 bases downstream of the stop codon, T replaced by C.
Molecular consequence: 3 prime UTR variant.
Genome position (GRCh38, 1-based): chr12:12,721,208, T>C. VCF-style: chr12-12721208-T-C. GRCh37 (hg19) VCF-style: chr12-12874142-T-C.
Identifiers: ClinVar variation 307675 (VCV000307675.9), dbSNP rs4251696, ClinGen allele CA6457631.